The following is an entry in ClinVar:

ClinVar aggregate classification (germline): Conflicting classifications of pathogenicity. Review status: criteria provided, conflicting classifications (1 of 4 stars). 7 submissions from 7 submitters: Uncertain significance (6); Likely benign (1). Last evaluated 2026-02-13.

Conditions:
Hereditary nonpolyposis colorectal neoplasms. Identifiers: MedGen C0009405, MeSH D003123.
Hereditary cancer-predisposing syndrome. Also called: Tumor predisposition; Neoplastic Syndromes, Hereditary; Hereditary neoplastic syndrome; Hereditary Cancer Syndrome. Identifiers: Orphanet 140162, MedGen C0027672, MeSH D009386, MONDO:0015356.
Lynch syndrome 5 (LYNCH5). Also called: Colorectal cancer, hereditary nonpolyposis, type 5; Hereditary non-polyposis colorectal cancer, type 5. Identifiers: Orphanet 144, MedGen C1833477, MONDO:0013710, OMIM 614350. Disease mechanism: loss of function.

Allele frequency attached by ClinVar (database versions not stated): gnomAD 0.00001; TOPMed 0.00001.
gnomAD v4.1: 3 of 1,613,966 alleles (0.00019%); highest among the groups gnomAD compares: East Asian, 0.0022%; no homozygotes.

Submissions (7):

OLLIN Analises Genomicas, OLLIN
Classification: Uncertain significance for Lynch syndrome 5. Last evaluated: 2026-02-13. Review status: criteria provided, single submitter. Criteria: ACMG Guidelines 2015 PMID 25741868. Collection method: clinical testing. Allele origin: germline. Observed: 1 variant allele.
Comment: PM2_P, BP4

Labcorp Genetics (formerly Invitae), Labcorp
Classification: Uncertain significance for Hereditary nonpolyposis colorectal neoplasms. Last evaluated: 2025-12-10. Review status: criteria provided, single submitter. Criteria: Invitae Variant Classification Sherloc (09022015). Collection method: clinical testing. Allele origin: germline.
Comment: This sequence change replaces serine, which is neutral and polar, with cysteine, which is neutral and slightly polar, at codon 549 of the MSH6 protein (p.Ser549Cys). This variant is not present in population databases (gnomAD no frequency). This variant has not been reported in the literature in individuals affected with MSH6-related conditions. ClinVar contains an entry for this variant (Variation ID: 495706). Invitae Evidence Modeling of protein sequence and biophysical properties (such as structural, functional, and spatial information, amino acid conservation, physicochemical variation, residue mobility, and thermodynamic stability) indicates that this missense variant is not expected to disrupt MSH6 protein function with a negative predictive value of 95%. In summary, the available evidence is currently insufficient to determine the role of this variant in disease. Therefore, it has been classified as a Variant of Uncertain Significance.

Myriad Genetics, Inc.
Classification: Likely benign for Lynch syndrome 5. Last evaluated: 2025-09-24. Review status: criteria provided, single submitter. Criteria: Myriad Autosomal Dominant, Autosomal Recessive and X-Linked Classification Criteria (2023). Collection method: clinical testing. Allele origin: unknown.
Comment: This variant is considered likely benign. Homozygosity for this variant has been confirmed in one or more individuals lacking clinical features consistent with gene-specific recessive disease, indicating that this variant is unlikely to be pathogenic.

Ambry Genetics
Classification: Uncertain significance for Hereditary cancer-predisposing syndrome. Last evaluated: 2024-06-09. Review status: criteria provided, single submitter. Criteria: Ambry Variant Classification Scheme 2023. Collection method: clinical testing. Allele origin: germline.
Comment: The p.S549C variant (also known as c.1646C>G), located in coding exon 4 of the MSH6 gene, results from a C to G substitution at nucleotide position 1646. The serine at codon 549 is replaced by cysteine, an amino acid with dissimilar properties. This amino acid position is not well conserved in available vertebrate species. In addition, the in silico prediction for this alteration is inconclusive. Since supporting evidence is limited at this time, the clinical significance of this alteration remains unclear.

Quest Diagnostics Nichols Institute San Juan Capistrano
Classification: Uncertain significance. Last evaluated: 2023-08-10. Review status: criteria provided, single submitter. Criteria: Quest Diagnostics criteria. Collection method: clinical testing. Allele origin: unknown.
Comment: In a breast cancer association study, this variant was observed in a control individual only (see LOVD and PMID: 33471991 (2021)). The frequency of this variant in the general population, 0.0000066 (1/152090 chromosomes (Genome Aggregation Database)), is uninformative in the assessment of its pathogenicity. Analysis of this variant using bioinformatics tools for the prediction of the effect of amino acid changes on protein structure and function yielded predictions that this variant is benign. Based on the available information, we are unable to determine the clinical significance of this variant.

Color Diagnostics, LLC DBA Color Health
Classification: Uncertain significance for Hereditary cancer-predisposing syndrome. Last evaluated: 2022-11-15. Review status: criteria provided, single submitter. Criteria: ACMG Guidelines, 2015. Collection method: clinical testing. Allele origin: germline.
Comment: This missense variant replaces serine with cysteine at codon 549 of the MSH6 protein. Computational prediction suggests that this variant may not impact protein structure and function (internally defined REVEL score threshold <= 0.5, PMID: 27666373). To our knowledge, functional studies have not been reported for this variant. This variant has not been reported in individuals affected with MSH6-related disorders in the literature. This variant has not been identified in the general population by the Genome Aggregation Database (gnomAD). The available evidence is insufficient to determine the role of this variant in disease conclusively. Therefore, this variant is classified as a Variant of Uncertain Significance.

Women's Health and Genetics/Laboratory Corporation of America, LabCorp
Classification: Uncertain significance. Last evaluated: 2019-03-28. Review status: criteria provided, single submitter. Criteria: LabCorp Variant Classification Summary - May 2015. Collection method: clinical testing. Allele origin: germline.
Comment: Variant summary: MSH6 c.1646C>G (p.Ser549Cys) results in a non-conservative amino acid change located in the DNA mismatch repair protein MutS, connector domain of the encoded protein sequence. Three of five in-silico tools predict a damaging effect of the variant on protein function. The variant was absent in 246038 control chromosomes (gnomAD). The available data on variant occurrences in the general population are insufficient to allow any conclusion about variant significance. To our knowledge, no occurrence of c.1646C>G in individuals affected with Lynch Syndrome and no experimental evidence demonstrating its impact on protein function have been reported. No clinical diagnostic laboratories have submitted clinical-significance assessments for this variant to ClinVar after 2014. Based on the evidence outlined above, the variant was classified as uncertain significance.

Literature cited by the submitters: PubMed 33471991 (cited by Quest Diagnostics Nichols Institute San Juan Capistrano).

NM_000179.3(MSH6):c.1646C>G (p.Ser549Cys)

Gene: MSH6 (mutS homolog 6; plus strand). Cytogenetic location: 2p16.3.
Variant type: single nucleotide variant.
Coding change: c.1646C>G on transcript NM_000179.3 (MANE Select); coding-DNA position 1646, C replaced by G.
Protein change: p.Ser549Cys; replaces serine 549 with cysteine.
Molecular consequence: missense variant.
Genome position (GRCh38, 1-based): chr2:47,799,629, C>G. VCF-style: chr2-47799629-C-G. GRCh37 (hg19) VCF-style: chr2-48026768-C-G.
Other names: c.1256C>G, p.Ser419Cys (NM_001281492.2); c.740C>G, p.Ser247Cys (NM_001281493.2, NM_001281494.2); short protein forms S549C, S419C, S247C.
Identifiers: ClinVar variation 495706 (VCV000495706.25), dbSNP rs200447622, ClinGen allele CA46708577.
Genomic context (GRCh38, chr2:47,799,629, plus strand): 5'-GTGATCCCTCTGAGAACTACAGTAAGTATCTTCTTAGCCTCAAAGAAAAAGAGGAAGATT[C>G]TTCTGGCCATACTCGTGCATATGGTGTGTGCTTTGTTGATACTTCACTGGGAAAGTTTTT-3'
Protein context (NP_000170.1, residues 539-559): LLSLKEKEED[Ser549Cys]SGHTRAYGVC